The following is an entry in ClinVar:

NM_001110556.2(FLNA):c.1665G>A (p.Thr555=)

Gene: FLNA (filamin A; minus strand). Cytogenetic location: Xq28.
Variant type: single nucleotide variant.
Coding change: c.1665G>A on transcript NM_001110556.2 (MANE Select); coding-DNA position 1665, G replaced by A.
Protein change: p.Thr555=; no amino-acid change (threonine 555 retained).
Molecular consequence: synonymous variant.
Genome position (GRCh38, 1-based): chrX:154,365,162, C>T on the plus strand (G>A on the coding strand, the complement: FLNA is on the minus strand). VCF-style: chrX-154365162-C-T. GRCh37 (hg19) VCF-style: chrX-153593530-C-T.
Other names: c.1665G>A, p.Thr555= (NM_001456.4).
Identifiers: ClinVar variation 703609 (VCV000703609.42), dbSNP rs782376419, ClinGen allele CA10561123.

ClinVar aggregate classification (germline): Benign/Likely benign. Review status: criteria provided, multiple submitters, no conflicts (2 of 4 stars). 7 submissions from 7 submitters: Benign (1); Likely benign (6). Last evaluated 2026-08-01.

Conditions:
Heterotopia, periventricular, X-linked dominant (PVNH1). Also called: PERIVENTRICULAR NODULAR HETEROTOPIA 1; X-linked periventricular heterotopia; PERIVENTRICULAR NODULAR HETEROTOPIA 4; HETEROTOPIA, PERIVENTRICULAR, 1. Identifiers: Orphanet 2149, Orphanet 82004, MedGen C1848213, MONDO:0010233, OMIM 300049.
Melnick-Needles syndrome (MNS). Also called: MELNICK-NEEDLES OSTEODYSPLASTY; OSTEODYSPLASTY OF MELNICK AND NEEDLES; Melnick-Needles Syndrome (FLNA-MNS). Identifiers: Orphanet 2484, MedGen C0025237, MONDO:0010650, OMIM 309350.
Frontometaphyseal dysplasia (FMD1). Identifiers: Orphanet 1826, MedGen C0265293, MONDO:0015942.
Oto-palato-digital syndrome, type II (OPD2). Also called: FACIOPALATOOSSEOUS SYNDROME; OPD II SYNDROME; Otopalatodigital Syndrome Type 2 (FLNA-OPD2); Otopalatodigital Syndrome, Type II. Identifiers: Orphanet 669, Orphanet 90652, MedGen C1844696, MONDO:0010571, OMIM 304120.
Familial thoracic aortic aneurysm and aortic dissection (TAAD). Also called: Thoracic aortic aneurysms and dissections. Identifiers: Orphanet 91387, MedGen C4707243, MONDO:0019625.

Allele frequency attached by ClinVar (database versions not stated): TOPMed 0.00002; gnomAD 0.00004; gnomAD exomes 0.00006.
gnomAD v4.1: 64 of 1,210,109 alleles (0.0053%); highest among the groups gnomAD compares: South Asian, 0.012%; no homozygotes.

Submissions (7):

CeGaT Center for Human Genetics Tuebingen
Classification: Likely benign. Last evaluated: 2026-08-01. Review status: criteria provided, single submitter. Criteria: CeGaT Center For Human Genetics Tuebingen Variant Classification Criteria Version 2. Collection method: clinical testing. Allele origin: germline. Affected: yes. Observed: 3 variant alleles.
Comment: FLNA: BP4, BP7, BS2

Women's Health and Genetics/Laboratory Corporation of America, LabCorp
Classification: Likely benign. Last evaluated: 2026-02-16. Review status: criteria provided, single submitter. Criteria: LabCorp Variant Classification Summary - May 2015. Collection method: clinical testing. Allele origin: germline.

Labcorp Genetics (formerly Invitae), Labcorp
Classification: Likely benign for Oto-palato-digital syndrome, type II; Heterotopia, periventricular, X-linked dominant; Frontometaphyseal dysplasia; Melnick-Needles syndrome. Last evaluated: 2025-10-11. Review status: criteria provided, single submitter. Criteria: Invitae Variant Classification Sherloc (09022015). Collection method: clinical testing. Allele origin: germline.

Laboratory of Genetics, Children's Clinical University Hospital Latvia
Classification: Benign. Last evaluated: 2025-02-16. Review status: criteria provided, single submitter. Criteria: ACMG Guidelines, 2015. Collection method: clinical testing. Allele origin: germline. Affected: yes.

Blueprint Genetics
Classification: Likely benign. Last evaluated: 2024-08-16. Review status: criteria provided, single submitter. Criteria: ACMG Guidelines, 2015. Collection method: clinical testing. Allele origin: germline.

ARUP Laboratories, Molecular Genetics and Genomics, ARUP Laboratories
Classification: Likely benign. Last evaluated: 2023-03-15. Review status: criteria provided, single submitter. Criteria: ARUP Molecular Germline Variant Investigation Process 2024. Collection method: clinical testing. Allele origin: germline.

Ambry Genetics
Classification: Likely benign for Familial thoracic aortic aneurysm and aortic dissection. Last evaluated: 2022-07-25. Review status: criteria provided, single submitter. Criteria: Ambry Variant Classification Scheme 2023. Collection method: clinical testing. Allele origin: germline.